The following is an entry in ClinVar:

ClinVar aggregate classification (germline): Pathogenic (1 of 4 stars; one submission).

Conditions:
Wilson disease (WND). Also called: Wilson's disease. Identifiers: Orphanet 905, MedGen C0019202, MONDO:0010200, OMIM 277900. Disease mechanism: loss of function.

Submission:

Myriad Genetics, Inc.
Classification: Pathogenic for Wilson disease. Last evaluated: 2026-05-12. Review status: criteria provided, single submitter. Criteria: Myriad Autosomal Dominant, Autosomal Recessive and X-Linked Classification Criteria (2023). Collection method: clinical testing. Allele origin: unknown.
Comment: NM_000053.3(ATP7B):c.1649dupG(E552*) is a nonsense variant classified as pathogenic in the context of Wilson disease. E552* has been observed in a case with relevant disease (PMID: 38847512). Relevant functional assessments of this variant are not available in the literature. E552* has not been observed in referenced population frequency databases. In summary, NM_000053.3(ATP7B):c.1649dupG(E552*) is a nonsense variant in a gene where loss of function is a known mechanism of disease, is predicted to disrupt protein function, and has been observed more frequently in cases with the relevant disease than in healthy populations. Please note: this variant was assessed in the context of healthy population screening.

Literature cited by the submitters: PubMed 38847512.

NM_000053.4(ATP7B):c.1649dup (p.Phe551_Glu552insTer)

Gene: ATP7B (ATPase copper transporting beta; minus strand). Cytogenetic location: 13q14.3.
Variant type: Duplication.
Coding change: c.1649dup on transcript NM_000053.4 (MANE Select); coding-DNA position 1649, one base duplicated (G; older notation c.1649dupG).
Protein change: p.Phe551_Glu552insTer.
Molecular consequence: frameshift variant. On other transcripts: intron variant (1).
Genome position (GRCh38, 1-based): chr13:51,968,502, C duplicated on the plus strand (G on the coding strand, the reverse complement: ATP7B is on the minus strand); the first of 3 consecutive C bases (chr13:51,968,502-51,968,504); duplicating any one gives the same sequence. VCF-style (leftmost placement, unchanged base first): chr13-51968501-A-AC. GRCh37 (hg19) VCF-style: chr13-52542637-A-AC.
Other names: c.1649dup, p.Phe551_Glu552insTer (NM_001005918.3, NM_001330578.2, NM_001330579.2 and 26 more transcripts); c.1316dup, p.Phe440_Glu441insTer (NM_001243182.2); c.1616dup, p.Phe540_Glu541insTer (NM_001406514.1, NM_001406524.1); c.1553dup, p.Phe519_Glu520insTer (NM_001406517.1, NM_001406518.1, NM_001406530.1 and 3 more transcripts); c.1220dup, p.Phe408_Glu409insTer (NM_001406539.1); c.1285+5433dup (NM_001406548.1).
Identifiers: ClinVar variation 5004671 (VCV005004671.1).